The following is an entry in ClinVar:

ClinVar aggregate classification (germline): Likely benign (1 of 4 stars; one submission).

Allele frequency attached by ClinVar (database versions not stated): gnomAD exomes below 0.00001 and 0.00001; gnomAD 0.00001; TOPMed 0.00001.
gnomAD v4.1: 9 of 1,601,112 alleles (0.00056%); highest among the groups gnomAD compares: South Asian, 0.0011%; no homozygotes.

Submission:

GeneDx
Classification: Likely benign. Last evaluated: 2018-02-19. Review status: criteria provided, single submitter. Criteria: GeneDx Variant Classification (06012015). Collection method: clinical testing. Allele origin: germline. Affected: yes.
Comment: This variant is considered likely benign or benign based on one or more of the following criteria: it is a conservative change, it occurs at a poorly conserved position in the protein, it is predicted to be benign by multiple in silico algorithms, and/or has population frequency not consistent with disease.

NM_020117.11(LARS1):c.2396+18A>G

Gene: LARS1 (leucyl-tRNA synthetase 1; minus strand). Cytogenetic location: 5q32.
Variant type: single nucleotide variant.
Coding change: c.2396+18A>G on transcript NM_020117.11 (MANE Select); 18 bases into the intron after coding-DNA position 2396, A replaced by G.
Molecular consequence: intron variant.
Genome position (GRCh38, 1-based): chr5:146,132,880, T>C on the plus strand (A>G on the coding strand, the complement: LARS1 is on the minus strand). VCF-style: chr5-146132880-T-C. GRCh37 (hg19) VCF-style: chr5-145512443-T-C.
Other names: c.2234+18A>G (NM_001317965.2); c.2315+18A>G (NM_016460.4); c.2258+18A>G (NM_001317964.2).
Identifiers: ClinVar variation 515344 (VCV000515344.1), dbSNP rs1186530205, ClinGen allele CA563063847.
Genomic context (GRCh38, chr5:146,132,880, plus strand): 5'-AAGAAAAGAAAAAGAAAACAAAAATGCACCAGGACTAAGTAACTCTAAAACACAAAATGA[T>C]TGGGATCTACAGATTACCTGGCAAAAACTCTATCATTGAAAGTGCTGGCAGGACCACTTC-3'